The following is an entry in ClinVar:

NM_000256.3(MYBPC3):c.1839del (p.Tyr614fs)

Gene: MYBPC3 (myosin binding protein C3; minus strand). Cytogenetic location: 11p11.2.
Variant type: Deletion.
Coding change: c.1839del on transcript NM_000256.3 (MANE Select); coding-DNA position 1839, one base deleted (C; older notation c.1839delC).
Protein change: p.Tyr614fs; shifts the reading frame from tyrosine 614.
Molecular consequence: frameshift variant.
Genome position (GRCh38, 1-based): chr11:47,341,196, G deleted on the plus strand (C on the coding strand, the reverse complement: MYBPC3 is on the minus strand). VCF-style (leftmost placement, unchanged base first): chr11-47341195-AG-A. GRCh37 (hg19) VCF-style: chr11-47362746-AG-A.
Other names: short protein forms Y614fs.
Identifiers: ClinVar variation 1076969 (VCV001076969.7), dbSNP rs2142859289, ClinGen allele CA2499220970.

ClinVar aggregate classification (germline): Pathogenic (1 of 4 stars; one submission).

Conditions:
Hypertrophic cardiomyopathy. Also called: HYPERTROPHIC MYOCARDIOPATHY. Identifiers: Orphanet 217569, MedGen C0007194, MeSH D002312, MONDO:0005045, HP:0001639.

Allele frequency attached by ClinVar (database versions not stated): gnomAD exomes 0.00001.

Submission:

Labcorp Genetics (formerly Invitae), Labcorp
Classification: Pathogenic for Hypertrophic cardiomyopathy. Last evaluated: 2020-08-21. Review status: criteria provided, single submitter. Criteria: Invitae Variant Classification Sherloc (09022015). Collection method: clinical testing. Allele origin: germline.
Comment: Loss-of-function variants in MYBPC3 are known to be pathogenic (PMID: 19574547). This sequence change creates a premature translational stop signal (p.Tyr614Thrfs*49) in the MYBPC3 gene. It is expected to result in an absent or disrupted protein product. This variant is not present in population databases (ExAC no frequency). This variant has not been reported in the literature in individuals with MYBPC3-related conditions. For these reasons, this variant has been classified as Pathogenic.

Literature cited by the submitters: PubMed 19574547.